The following is an entry in ClinVar:

ClinVar aggregate classification (germline): Uncertain significance (1 of 4 stars; one submission).

Allele frequency attached by ClinVar (database versions not stated): gnomAD exomes below 0.00001.
gnomAD v4.1: 1 of 1,614,132 alleles (0.000062%); highest among the groups gnomAD compares: Admixed American, 0.0017%; no homozygotes.

Submission:

Labcorp Genetics (formerly Invitae), Labcorp
Classification: Uncertain significance. Last evaluated: 2022-12-06. Review status: criteria provided, single submitter. Criteria: Invitae Variant Classification Sherloc (09022015). Collection method: clinical testing. Allele origin: germline.
Comment: This variant is present in population databases (no rsID available, gnomAD 0.003%). This sequence change replaces valine, which is neutral and non-polar, with isoleucine, which is neutral and non-polar, at codon 140 of the UQCRC2 protein (p.Val140Ile). This variant has not been reported in the literature in individuals affected with UQCRC2-related conditions. In summary, the available evidence is currently insufficient to determine the role of this variant in disease. Therefore, it has been classified as a Variant of Uncertain Significance. Advanced modeling of protein sequence and biophysical properties (such as structural, functional, and spatial information, amino acid conservation, physicochemical variation, residue mobility, and thermodynamic stability) performed at Invitae indicates that this missense variant is not expected to disrupt UQCRC2 protein function. ClinVar contains an entry for this variant (Variation ID: 1486882).

NM_003366.4(UQCRC2):c.418G>A (p.Val140Ile)

Genes: PDZD9 (PDZ domain containing 9), UQCRC2 (ubiquinol-cytochrome c reductase core protein 2). Cytogenetic location: 16p12.2.
Variant type: single nucleotide variant.
Coding change: c.418G>A on transcript NM_003366.4 (MANE Select); coding-DNA position 418, G replaced by A.
Protein change: p.Val140Ile; replaces valine 140 with isoleucine.
Molecular consequence: missense variant.
Genome position (GRCh38, 1-based): chr16:21,962,789, G>A. VCF-style: chr16-21962789-G-A. GRCh37 (hg19) VCF-style: chr16-21974110-G-A.
Other names: short protein forms V140I.
Identifiers: ClinVar variation 1486882 (VCV001486882.6), dbSNP rs1366928531, ClinGen allele CA395249803.